The following is an entry in ClinVar:

ClinVar aggregate classification (germline): Pathogenic. Review status: criteria provided, multiple submitters, no conflicts (2 of 4 stars). 2 submissions from 2 submitters: Pathogenic (2). Last evaluated 2022-08-26.

Conditions:
Retinal dystrophy. Also called: Inherited retinal dystrophy. Identifiers: Orphanet 71862, MedGen C0854723, MeSH D058499, MONDO:0019118, HP:0000556.

Submissions (2):

Labcorp Genetics (formerly Invitae), Labcorp
Classification: Pathogenic. Last evaluated: 2022-08-26. Review status: criteria provided, single submitter. Criteria: Invitae Variant Classification Sherloc (09022015). Collection method: clinical testing. Allele origin: germline.
Comment: ClinVar contains an entry for this variant (Variation ID: 943175). For these reasons, this variant has been classified as Pathogenic. This variant has not been reported in the literature in individuals affected with KCNV2-related conditions. This variant is present in population databases (no rsID available, gnomAD 0.007%). This sequence change creates a premature translational stop signal (p.Arg7Glufs*15) in the KCNV2 gene. It is expected to result in an absent or disrupted protein product. Loss-of-function variants in KCNV2 are known to be pathogenic (PMID: 16909397, 18235024).

Institute of Human Genetics, Univ. Regensburg, Univ. Regensburg
Classification: Pathogenic for Retinal dystrophy. Last evaluated: 2022-01-01. Review status: criteria provided, single submitter. Criteria: ACMG Guidelines, 2015. Collection method: clinical testing. Allele origin: germline. Affected: yes.

Literature cited by the submitters: PubMed 16909397 (cited by Labcorp Genetics (formerly Invitae), Labcorp); PubMed 18235024 (cited by Labcorp Genetics (formerly Invitae), Labcorp); PubMed 31964843 (cited by Institute of Human Genetics, Univ. Regensburg, Univ. Regensburg).

NM_133497.4(KCNV2):c.19_20del (p.Arg7fs)

Gene: KCNV2 (potassium voltage-gated channel modifier subfamily V member 2; plus strand). Cytogenetic location: 9p24.2.
Variant type: Microsatellite.
Coding change: c.19_20del on transcript NM_133497.4 (MANE Select); coding-DNA positions 19 to 20, 2 bases deleted (AG; older notation c.19_20delAG).
Protein change: p.Arg7fs; shifts the reading frame from arginine 7.
Molecular consequence: frameshift variant.
Genome position (GRCh38, 1-based): chr9:2,717,758-2,717,759, AG deleted; deleting any 2 consecutive bases within chr9:2,717,755-2,717,759 gives the same sequence; the c. name uses the placement nearest the transcript's 3' end. VCF-style (leftmost placement, unchanged base first): chr9-2717754-TGA-T. GRCh37 (hg19) VCF-style: chr9-2717754-TGA-T.
Other names: short protein forms R7fs.
Identifiers: ClinVar variation 943175 (VCV000943175.8), dbSNP rs1385132304, ClinGen allele CA586168525.